The following is an entry in ClinVar:

NM_025179.4(PLXNA2):c.5632C>T (p.Arg1878Trp)

Gene: PLXNA2 (plexin A2; minus strand). Cytogenetic location: 1q32.2.
Variant type: single nucleotide variant.
Coding change: c.5632C>T on transcript NM_025179.4 (MANE Select); coding-DNA position 5632, C replaced by T.
Protein change: p.Arg1878Trp; replaces arginine 1878 with tryptophan.
Molecular consequence: missense variant.
Genome position (GRCh38, 1-based): chr1:208,027,296, G>A on the plus strand (C>T on the coding strand, the complement: PLXNA2 is on the minus strand). VCF-style: chr1-208027296-G-A. GRCh37 (hg19) VCF-style: chr1-208200641-G-A.
Other names: c.5632C>T (NM_025179.3); short protein forms R1878W.
Identifiers: ClinVar variation 3021177 (VCV003021177.4), dbSNP rs141651654, ClinGen allele CA1372503.

ClinVar aggregate classification (germline): Uncertain significance. Review status: criteria provided, single submitter (1 of 4 stars). 2 submissions from 2 submitters: Uncertain significance (1). 1 of the submissions does not count toward it. Last evaluated 2024-09-05.

Conditions:
PLXNA2-related disorder. Also called: PLXNA2-related condition.

Allele frequency attached by ClinVar (database versions not stated): TOPMed 0.00001; ExAC 0.00002; gnomAD exomes 0.00002; ESP Exome Variant Server 0.00008.
gnomAD v4.1: 25 of 1,613,478 alleles (0.0015%); highest among the groups gnomAD compares: Non-Finnish European, 0.0019%; no homozygotes.

Submissions (2):

Labcorp Genetics (formerly Invitae), Labcorp
Classification: Uncertain significance. Last evaluated: 2024-09-05. Review status: criteria provided, single submitter. Criteria: Invitae Variant Classification Sherloc (09022015). Collection method: clinical testing. Allele origin: germline.
Comment: This sequence change replaces arginine, which is basic and polar, with tryptophan, which is neutral and slightly polar, at codon 1878 of the PLXNA2 protein (p.Arg1878Trp). This variant is present in population databases (rs141651654, gnomAD 0.007%). This variant has not been reported in the literature in individuals affected with PLXNA2-related conditions. Invitae Evidence Modeling of protein sequence and biophysical properties (such as structural, functional, and spatial information, amino acid conservation, physicochemical variation, residue mobility, and thermodynamic stability) indicates that this missense variant is expected to disrupt PLXNA2 protein function with a positive predictive value of 80%. In summary, the available evidence is currently insufficient to determine the role of this variant in disease. Therefore, it has been classified as a Variant of Uncertain Significance.

PreventionGenetics, part of Exact Sciences
Classification: Uncertain significance for PLXNA2-related condition. Last evaluated: 2024-08-29. Review status: no assertion criteria provided. Collection method: clinical testing. Allele origin: germline. Not counted in ClinVar's aggregate classification.
Comment: The PLXNA2 c.5632C>T variant is predicted to result in the amino acid substitution p.Arg1878Trp. To our knowledge, this variant has not been reported in the literature. This variant is reported in 0.0062% of alleles in individuals of African descent in gnomAD. At this time, the clinical significance of this variant is uncertain due to the absence of conclusive functional and genetic evidence.